The following is an entry in ClinVar:

ClinVar aggregate classification (germline): Uncertain significance. Review status: criteria provided, multiple submitters, no conflicts (2 of 4 stars). 2 submissions from 2 submitters: Uncertain significance (2). Last evaluated 2026-01-08.

Conditions:
MYO5B-related disorder. Also called: MYO5B-related condition.

Allele frequency attached by ClinVar (database versions not stated): gnomAD 0.00001; TOPMed 0.00003.
gnomAD v4.1: 50 of 1,614,038 alleles (0.0031%); highest among the groups gnomAD compares: African/African-American, 0.004%; no homozygotes.

Submissions (2):

Labcorp Genetics (formerly Invitae), Labcorp
Classification: Uncertain significance. Last evaluated: 2026-01-08. Review status: criteria provided, single submitter. Criteria: Invitae Variant Classification Sherloc (09022015). Collection method: clinical testing. Allele origin: germline.
Comment: This sequence change replaces glutamic acid, which is acidic and polar, with lysine, which is basic and polar, at codon 1589 of the MYO5B protein (p.Glu1589Lys). This variant is present in population databases (rs762039116, gnomAD 0.005%). This variant has not been reported in the literature in individuals affected with MYO5B-related conditions. ClinVar contains an entry for this variant (Variation ID: 1425707). Invitae Evidence Modeling of protein sequence and biophysical properties (such as structural, functional, and spatial information, amino acid conservation, physicochemical variation, residue mobility, and thermodynamic stability) indicates that this missense variant is expected to disrupt MYO5B protein function with a positive predictive value of 80%. In summary, the available evidence is currently insufficient to determine the role of this variant in disease. Therefore, it has been classified as a Variant of Uncertain Significance.

PreventionGenetics, part of Exact Sciences
Classification: Uncertain significance for MYO5B-related condition. Last evaluated: 2025-11-04. Review status: criteria provided, single submitter. Criteria: ACMG Guidelines, 2015. Collection method: clinical testing. Allele origin: germline.
Comment: The MYO5B c.4765G>A variant is predicted to result in the amino acid substitution p.Glu1589Lys. To our knowledge, this variant has not been reported in the literature. This variant is reported in 0.0053% of alleles in individuals of European (Non-Finnish) descent in gnomAD. At this time, the clinical significance of this variant is uncertain due to the absence of conclusive functional and genetic evidence.

NM_001080467.3(MYO5B):c.4765G>A (p.Glu1589Lys)

Genes: MYO5B (myosin VB; minus strand), SNHG22 (small nucleolar RNA host gene 22; plus strand). Cytogenetic location: 18q21.1.
Variant type: single nucleotide variant.
Coding change: c.4765G>A on transcript NM_001080467.3 (MANE Select); coding-DNA position 4765, G replaced by A.
Protein change: p.Glu1589Lys; replaces glutamic acid 1589 with lysine.
Molecular consequence: missense variant.
Genome position (GRCh38, 1-based): chr18:49,839,231, C>T on the plus strand (G>A on the coding strand, the complement: MYO5B is on the minus strand). VCF-style: chr18-49839231-C-T. GRCh37 (hg19) VCF-style: chr18-47365601-C-T.
Other names: c.4765G>A (NM_001080467.2); short protein forms E1589K.
Identifiers: ClinVar variation 1425707 (VCV001425707.7), dbSNP rs762039116, ClinGen allele CA8960228.